The following is an entry in ClinVar:

ClinVar aggregate classification (germline): Uncertain significance (1 of 4 stars; one submission).

Submission:

Labcorp Genetics (formerly Invitae), Labcorp
Classification: Uncertain significance. Last evaluated: 2023-12-06. Review status: criteria provided, single submitter. Criteria: Invitae Variant Classification Sherloc (09022015). Collection method: clinical testing. Allele origin: unknown.
Comment: This variant is a gross deletion of the genomic region encompassing exon(s) 10 of the CLUAP1 gene. This variant would be expected to be in-frame, preserving the integrity of the reading frame. This variant has not been reported in the literature in individuals affected with CLUAP1-related conditions. Experimental studies and prediction algorithms are not available or were not evaluated, and the functional significance of this variant is currently unknown. In summary, the available evidence is currently insufficient to determine the role of this variant in disease. Therefore, it has been classified as a Variant of Uncertain Significance.

NC_000016.9:g.(?_3580548)_(3580695_?)del

Gene: CLUAP1 (clusterin associated protein 1; plus strand). Cytogenetic location: 16p13.3.
Variant type: Deletion.
Identifiers: ClinVar variation 3243646 (VCV003243646.1).